The following is an entry in ClinVar:

ClinVar aggregate classification (germline): Likely benign. Review status: criteria provided, multiple submitters, no conflicts (2 of 4 stars). 3 submissions from 3 submitters: Likely benign (3). Last evaluated 2026-02-18.

Conditions:
RYR1-related disorder. Also called: RYR1-related disorders; RYR1-related condition. Identifiers: MedGen CN239331.
Malignant hyperthermia, susceptibility to, 1 (MHS1). Also called: RYR1-Related Malignant Hyperthermia Susceptibility; Anesthesia related hyperthermia; Malignant hyperpyrexia; Fulminating hyperpyrexia; Pharmacogenic myopathy; Malignant hyperthermia suceptibility 1. Identifiers: Orphanet 423, MedGen C2930980, MONDO:0007783, OMIM 145600.

Allele frequency attached by ClinVar (database versions not stated): gnomAD 0.00001; gnomAD exomes 0.00002 and 0.00010; TOPMed 0.00003; ESP Exome Variant Server 0.00008; ExAC 0.00010; 1000 Genomes Project 30x 0.00016; 1000 Genomes Project 0.00020.
gnomAD v4.1: 30 of 1,614,074 alleles (0.0019%); highest among the groups gnomAD compares: East Asian, 0.033%; no homozygotes.

Submissions (3):

Women's Health and Genetics/Laboratory Corporation of America, LabCorp
Classification: Likely benign. Last evaluated: 2026-02-18. Review status: criteria provided, single submitter. Criteria: LabCorp Variant Classification Summary - May 2015. Collection method: clinical testing. Allele origin: germline.
Comment: Variant summary: RYR1 c.6212G>A (p.Arg2071Gln) results in a conservative amino acid change in the encoded protein sequence. Algorithms developed to predict the effect of missense changes on protein structure and function all suggest that this variant is likely to be tolerated. The variant allele was found at a frequency of 0.0001 in 251176 control chromosomes, predominantly at a frequency of 0.0012 within the East Asian subpopulation in the gnomAD database. The observed variant frequency within East Asian control individuals in the gnomAD database exceeds the estimated maximal expected allele frequency for disease-causing variants in RYR1. To our knowledge, no occurrence of c.6212G>A in individuals affected with RYR1-related conditions and no experimental evidence demonstrating its impact on protein function have been reported. ClinVar contains an entry for this variant (Variation ID: 478248). Based on the evidence outlined above, the variant was classified as likely benign.

Labcorp Genetics (formerly Invitae), Labcorp
Classification: Likely benign for RYR1-related disorder. Last evaluated: 2025-06-22. Review status: criteria provided, single submitter. Criteria: Invitae Variant Classification Sherloc (09022015). Collection method: clinical testing. Allele origin: germline.

Color Diagnostics, LLC DBA Color Health
Classification: Likely benign for Malignant hyperthermia, susceptibility to, 1. Last evaluated: 2022-12-22. Review status: criteria provided, single submitter. Criteria: ACMG Guidelines, 2015. Collection method: clinical testing. Allele origin: germline.

NM_000540.3(RYR1):c.6212G>A (p.Arg2071Gln)

Gene: RYR1 (ryanodine receptor 1; plus strand). Cytogenetic location: 19q13.2.
Variant type: single nucleotide variant.
Coding change: c.6212G>A on transcript NM_000540.3 (MANE Select); coding-DNA position 6212, G replaced by A.
Protein change: p.Arg2071Gln; replaces arginine 2071 with glutamine.
Molecular consequence: missense variant.
Genome position (GRCh38, 1-based): chr19:38,492,574, G>A. VCF-style: chr19-38492574-G-A. GRCh37 (hg19) VCF-style: chr19-38983214-G-A.
Other names: c.6212G>A, p.Arg2071Gln (NM_001042723.2); short protein forms R2071Q.
Identifiers: ClinVar variation 478248 (VCV000478248.10), dbSNP rs139775280, ClinGen allele CA081996.
Genomic context (GRCh38, chr19:38,492,574, plus strand): 5'-AGGAACCAGAGGAAGAGACCACCCTGGGCAGCCGCCTCATGAGCCTGTTGGAGAAAGTGC[G>A]GCTGGTGAAGAAGAAGGAAGAGAAACCTGAGGAGGAGCGGTCAGCAGAGGAGAGCAAACC-3'
Protein context (NP_000531.2, residues 2061-2081): SRLMSLLEKV[Arg2071Gln]LVKKKEEKPE